The following is an entry in ClinVar:

ClinVar aggregate classification (germline): Uncertain significance. Review status: criteria provided, multiple submitters, no conflicts (2 of 4 stars). 2 submissions from 2 submitters: Uncertain significance (2). Last evaluated 2025-08-08.

Conditions:
Neutropenia, severe congenital, 2, autosomal dominant. Identifiers: Orphanet 486, MedGen C2751288, MONDO:0013139, OMIM 613107.

Submissions (2):

Ambry Genetics
Classification: Uncertain significance. Last evaluated: 2025-08-08. Review status: criteria provided, single submitter. Criteria: Ambry Variant Classification Scheme 2023. Collection method: clinical testing. Allele origin: germline.
Comment: The p.R28G variant (also known as c.82C>G), located in coding exon 1 of the GFI1 gene, results from a C to G substitution at nucleotide position 82. The arginine at codon 28 is replaced by glycine, an amino acid with dissimilar properties. This amino acid position is conserved. In addition, this alteration is predicted to be tolerated by in silico analysis. Based on the available evidence, the clinical significance of this variant remains unclear.

Labcorp Genetics (formerly Invitae), Labcorp
Classification: Uncertain significance for Neutropenia, severe congenital, 2, autosomal dominant. Last evaluated: 2023-06-22. Review status: criteria provided, single submitter. Criteria: Invitae Variant Classification Sherloc (09022015). Collection method: clinical testing. Allele origin: germline.
Comment: This sequence change replaces arginine, which is basic and polar, with glycine, which is neutral and non-polar, at codon 28 of the GFI1 protein (p.Arg28Gly). This variant is not present in population databases (gnomAD no frequency). This variant has not been reported in the literature in individuals affected with GFI1-related conditions. Advanced modeling of protein sequence and biophysical properties (such as structural, functional, and spatial information, amino acid conservation, physicochemical variation, residue mobility, and thermodynamic stability) performed at Invitae indicates that this missense variant is not expected to disrupt GFI1 protein function. In summary, the available evidence is currently insufficient to determine the role of this variant in disease. Therefore, it has been classified as a Variant of Uncertain Significance.

NM_005263.5(GFI1):c.82C>G (p.Arg28Gly)

Gene: GFI1 (growth factor independent 1 transcriptional repressor; minus strand). Cytogenetic location: 1p22.1.
Variant type: single nucleotide variant.
Coding change: c.82C>G on transcript NM_005263.5 (MANE Select); coding-DNA position 82, C replaced by G.
Protein change: p.Arg28Gly; replaces arginine 28 with glycine.
Molecular consequence: missense variant.
Genome position (GRCh38, 1-based): chr1:92,483,406, G>C on the plus strand (C>G on the coding strand, the complement: GFI1 is on the minus strand). VCF-style: chr1-92483406-G-C. GRCh37 (hg19) VCF-style: chr1-92948963-G-C.
Other names: c.82C>G, p.Arg28Gly (NM_001127215.3, NM_001127216.3); short protein forms R28G.
Identifiers: ClinVar variation 2724079 (VCV002724079.4), dbSNP rs1658376108, ClinGen allele CA341150735.